The following is an entry in ClinVar:

ClinVar aggregate classification (germline): Likely pathogenic (1 of 4 stars; one submission).

Conditions:
Charcot-Marie-Tooth disease type 2. Also called: Charcot-Marie-Tooth type 2. Identifiers: Orphanet 64746, MedGen C0270914, MONDO:0018993.

Submission:

Labcorp Genetics (formerly Invitae), Labcorp
Classification: Likely pathogenic for Charcot-Marie-Tooth disease type 2. Last evaluated: 2022-06-30. Review status: criteria provided, single submitter. Criteria: Invitae Variant Classification Sherloc (09022015). Collection method: clinical testing. Allele origin: germline.
Comment: In summary, the currently available evidence indicates that the variant is pathogenic, but additional data are needed to prove that conclusively. Therefore, this variant has been classified as Likely Pathogenic. Algorithms developed to predict the effect of sequence changes on RNA splicing suggest that this variant may disrupt the consensus splice site. This variant has not been reported in the literature in individuals affected with BSCL2-related conditions. This variant is not present in population databases (gnomAD no frequency). This sequence change affects an acceptor splice site in intron 3 of the BSCL2 gene. It is expected to disrupt RNA splicing. Variants that disrupt the donor or acceptor splice site typically lead to a loss of protein function (PMID: 16199547), and loss-of-function variants in BSCL2 are known to be pathogenic (PMID: 11479539, 23564749).

Literature cited by the submitters: PubMed 16199547; PubMed 11479539; PubMed 23564749.

NM_001122955.4(BSCL2):c.487-1G>A

Genes: BSCL2 (BSCL2 lipid droplet biogenesis associated, seipin; minus strand), HNRNPUL2-BSCL2 (HNRNPUL2-BSCL2 readthrough (NMD candidate); minus strand). Cytogenetic location: 11q12.3.
Variant type: single nucleotide variant.
Coding change: c.487-1G>A on transcript NM_001122955.4 (MANE Select); the canonical splice acceptor site of the intron before coding-DNA position 487, G replaced by A.
Molecular consequence: splice acceptor variant.
Genome position (GRCh38, 1-based): chr11:62,694,712, C>T on the plus strand (G>A on the coding strand, the complement: BSCL2 is on the minus strand). VCF-style: chr11-62694712-C-T. GRCh37 (hg19) VCF-style: chr11-62462184-C-T.
Other names: c.295-1G>A (NM_001130702.2, NM_032667.6); c.487-1G>A (NM_001386028.1, NM_001386027.1).
Identifiers: ClinVar variation 1953288 (VCV001953288.5), dbSNP rs2539155047, ClinGen allele CA380966360.